The following is an entry in ClinVar:

ClinVar aggregate classification (germline): Pathogenic/Likely pathogenic. Review status: criteria provided, multiple submitters, no conflicts (2 of 4 stars). 11 submissions from 11 submitters: Pathogenic (7); Likely pathogenic (3). 1 of the submissions does not count toward it. Last evaluated 2026-02-05.

Conditions:
FLCN-related disorders.
FLCN-related disorder. Also called: FLCN-related condition.
Hereditary cancer-predisposing syndrome. Also called: Tumor predisposition; Neoplastic Syndromes, Hereditary; Hereditary Cancer Syndrome; Hereditary neoplastic syndrome. Identifiers: Orphanet 140162, MedGen C0027672, MeSH D009386, MONDO:0015356.
Birt-Hogg-Dube syndrome. Also called: Birt Hogg Dubé syndrome. Identifiers: Orphanet 122, MedGen C0346010, MONDO:0800444.

Allele frequency attached by ClinVar (database versions not stated): gnomAD exomes below 0.00001 and 0.00001; TOPMed below 0.00001; gnomAD 0.00001.

Submissions (11):

GeneDx
Classification: Pathogenic. Last evaluated: 2026-02-05. Review status: criteria provided, single submitter. Criteria: GeneDx Variant Classification Process June 2021. Collection method: clinical testing. Allele origin: germline. Affected: yes.
Comment: Published functional studies demonstrate a damaging effect resulting in impaired folliculin stability (PMID: 21538689); In-frame deletion of 1 amino acid(s) in a non-repeat region; Not observed at a significant frequency in large population cohorts (gnomAD); In silico analysis supports a deleterious effect on protein structure/function; This variant is associated with the following publications: (PMID: 19659657, 40118241, 27220747, 30873309, 23364595, 30632664, 27229674, 34229741, 37490463, 39893707, 37993820, 21538689)

Labcorp Genetics (formerly Invitae), Labcorp
Classification: Pathogenic for Birt-Hogg-Dube syndrome. Last evaluated: 2025-12-22. Review status: criteria provided, single submitter. Criteria: Invitae Variant Classification Sherloc (09022015). Collection method: clinical testing. Allele origin: germline.
Comment: This variant, c.1522_1524del, results in the deletion of 1 amino acid(s) of the FLCN protein (p.Lys508del), but otherwise preserves the integrity of the reading frame. This variant is present in population databases (rs398124529, gnomAD 0.003%). This variant has been observed in individuals with Birt-Hogg-Dubé syndrome (PMID: 19659657, 23364595; internal data). It has also been observed to segregate with disease in related individuals. ClinVar contains an entry for this variant (Variation ID: 96477). Algorithms developed to predict the effect of variants on gene product structure and function are not available or were not evaluated for this variant. Experimental studies have shown that this variant affects FLCN function (PMID: 21538689). For these reasons, this variant has been classified as Pathogenic.

Blueprint Genetics
Classification: Pathogenic for FLCN-related disorders. Last evaluated: 2024-07-12. Review status: criteria provided, single submitter. Criteria: ACMG Guidelines, 2015. Collection method: clinical testing. Allele origin: germline. Affected: yes. Observed: 2 variant alleles.

PreventionGenetics, part of Exact Sciences
Classification: Pathogenic for FLCN-related condition. Last evaluated: 2023-08-04. Review status: criteria provided, single submitter. Criteria: ACMG Guidelines, 2015. Collection method: clinical testing. Allele origin: germline.
Comment: The FLCN c.1522_1524delAAG variant is predicted to result in an in-frame deletion (p.Lys508del). This variant has been reported in individuals with Birt-Hogg-Dubé syndrome, including affected family members (So et al. 2009. PubMed ID: 19659657; Radzikowska et al. 2021. PubMed ID: 34229741; Furuya et al. 2016. PubMed ID: 27220747; Tarafdar et al. 2013. PubMed ID: 23364595). Functional studies support this variant's pathogenicity (Clausen et al. 2020. PubMed ID: 33137092; Nahorski et al. 2011. PubMed ID: 21538689). This variant is reported in 0.0029% of alleles in individuals of Latino descent in gnomAD (one heterozygous allele). This variant is interpreted as pathogenic.

Myriad Genetics, Inc.
Classification: Likely pathogenic for Birt-Hogg-Dube syndrome 1. Last evaluated: 2023-07-07. Review status: criteria provided, single submitter. Criteria: Myriad Autosomal Dominant, Autosomal Recessive and X-Linked Classification Criteria (2023). Collection method: clinical testing. Allele origin: unknown.
Comment: This variant is considered likely pathogenic. Functional studies indicate this variant impacts protein function [PMID: 33137092, 21538689]. This variant is expected to disrupt protein structure [Myriad internal data]. This variant has been reported in multiple individuals with clinical features of gene-specific disease [PMID: 34229741, 23364595, 19659657, 27220747, 33313181].

Ambry Genetics
Classification: Pathogenic for Hereditary cancer-predisposing syndrome. Last evaluated: 2022-08-31. Review status: criteria provided, single submitter. Criteria: Ambry Variant Classification Scheme 2023. Collection method: clinical testing. Allele origin: germline.
Comment: The c.1522_1524delAAG pathogenic mutation (also known as p.K508del) is located in coding exon 10 of the FLCN gene. This pathogenic mutation results from an in-frame AAG deletion at nucleotide positions 1522 to 1524. This results in the in-frame deletion of a lysine at codon 508. This variant has been reported in multiple individuals with a clinical diagnosis of Birt-Hogg-Dube syndrome (So SY et al. Respirology. 2009 Jul;14:775-6; Furuya M et al. Clin. Genet. 2016 Nov;90:403-412; Tarafdar S and Gleadle JM. Kidney Int. 2013 Feb;83(2):337-8; Radzikowska E et al. Orphanet J Rare Dis, 2021 07;16:302; Ambry internal data). In addition, functional studies have reported impaired stability and nuclear localization for this variant (Nahorski MS et al. Hum. Mutat. 2011 Aug;32:921-9; Clausen L et al. PLoS Genet, 2020 11;16:e1009187). Based on the supporting evidence, this alteration is interpreted as a disease-causing mutation.

Mayo Clinic Laboratories, Mayo Clinic
Classification: Likely pathogenic. Last evaluated: 2022-04-15. Review status: criteria provided, single submitter. Criteria: ACMG Guidelines, 2015. Collection method: clinical testing. Allele origin: germline. Observed: 1 variant allele.
Comment: PP4, PM2, PM4, PS3_supporting, PS4_moderate

CeGaT Center for Human Genetics Tuebingen
Classification: Pathogenic. Last evaluated: 2020-09-01. Review status: criteria provided, single submitter. Criteria: CeGaT Center For Human Genetics Tuebingen Variant Classification Criteria Version 2. Collection method: clinical testing. Allele origin: germline. Affected: yes. Observed: 1 variant allele.

Genomic Diagnostic Laboratory, Division of Genomic Diagnostics, Children's Hospital of Philadelphia
Classification: Likely pathogenic for Birt-Hogg-Dube Syndrome. Last evaluated: 2016-07-18. Review status: criteria provided, single submitter. Criteria: DGD Variant Analysis Guidelines. Collection method: clinical testing. Allele origin: germline. Affected: yes. Observed: 2 variant alleles.
Comment: Clinical Testing

Eurofins Ntd Llc (ga)
Classification: Pathogenic. Last evaluated: 2013-07-11. Review status: criteria provided, single submitter. Criteria: EGL Classification Definitions 2015. Collection method: clinical testing. Allele origin: germline. Observed: 2 variant alleles, 2 heterozygotes.

Division of Respiratory Medicine of Juntendo University, Juntendo University Faculty of Medicine and Graduate School of Medicine
Classification: Pathogenic for Birt-Hogg-Dube syndrome 1. Last evaluated: 2023-07-01. Review status: no assertion criteria provided. Collection method: clinical testing. Allele origin: germline. Affected: yes. Not counted in ClinVar's aggregate classification.

Literature cited by the submitters: PubMed 19659657 (cited by 3 submitters); PubMed 23364595 (cited by 3 submitters); PubMed 21538689 (cited by 3 submitters); PubMed 33137092 (cited by Myriad Genetics, Inc. and Ambry Genetics); PubMed 34229741 (cited by Myriad Genetics, Inc. and Ambry Genetics); PubMed 27220747 (cited by Myriad Genetics, Inc. and Ambry Genetics); PubMed 33313181 (cited by Myriad Genetics, Inc.).

NM_144997.7(FLCN):c.1522_1524del (p.Lys508del)

Gene: FLCN (folliculin; minus strand). Cytogenetic location: 17p11.2.
Variant type: Deletion.
Coding change: c.1522_1524del on transcript NM_144997.7 (MANE Select); coding-DNA positions 1522 to 1524, 3 bases deleted (AAG; older notation c.1522_1524delAAG).
Protein change: p.Lys508del; deletes lysine 508.
Molecular consequence: inframe deletion.
Genome position (GRCh38, 1-based): chr17:17,214,999-17,215,001, CTT deleted on the plus strand (AAG on the coding strand, the reverse complement: FLCN is on the minus strand). VCF-style (leftmost placement, unchanged base first): chr17-17214998-CCTT-C. GRCh37 (hg19) VCF-style: chr17-17118312-CCTT-C.
Other names: p.Lys508del; c.1522_1524del (LRG_325t1, NM_144997.5); c.1576_1578del, p.Lys526del (NM_001353229.2); c.1522_1524del, p.Lys508del (NM_001353230.2, NM_001353231.2); short protein forms K508del, K526del.
Identifiers: ClinVar variation 96477 (VCV000096477.59), dbSNP rs398124529, ClinGen allele CA224156.